The following is an entry in ClinVar:

ClinVar aggregate classification (germline): Uncertain significance. Review status: criteria provided, multiple submitters, no conflicts (2 of 4 stars). 2 submissions from 2 submitters: Uncertain significance (2). Last evaluated 2024-09-25.

Conditions:
Birt-Hogg-Dube syndrome. Also called: Birt Hogg Dubé syndrome. Identifiers: Orphanet 122, MedGen C0346010, MONDO:0800444.
Hereditary cancer-predisposing syndrome. Also called: Hereditary Cancer Syndrome; Neoplastic Syndromes, Hereditary; Hereditary neoplastic syndrome; Tumor predisposition. Identifiers: Orphanet 140162, MedGen C0027672, MeSH D009386, MONDO:0015356.

Allele frequency attached by ClinVar (database versions not stated): gnomAD exomes below 0.00001.
gnomAD v4.1: 3 of 1,603,028 alleles (0.00019%); highest among the groups gnomAD compares: Non-Finnish European, 0.00026%; no homozygotes.

Submissions (2):

Ambry Genetics
Classification: Uncertain significance for Hereditary cancer-predisposing syndrome. Last evaluated: 2024-09-25. Review status: criteria provided, single submitter. Criteria: Ambry Variant Classification Scheme 2023. Collection method: clinical testing. Allele origin: germline.
Comment: The c.1176+3G>A intronic variant results from a G to A substitution 3 nucleotides after coding exon 7 in the FLCN gene. This nucleotide position is poorly conserved in available vertebrate species. In silico splice site analysis predicts that this alteration will not have any significant effect on splicing. Based on the available evidence, the clinical significance of this variant remains unclear.

Labcorp Genetics (formerly Invitae), Labcorp
Classification: Uncertain significance for Birt-Hogg-Dube syndrome. Last evaluated: 2022-05-05. Review status: criteria provided, single submitter. Criteria: Invitae Variant Classification Sherloc (09022015). Collection method: clinical testing. Allele origin: germline.
Comment: This sequence change falls in intron 10 of the FLCN gene. It does not directly change the encoded amino acid sequence of the FLCN protein. It affects a nucleotide within the consensus splice site. In summary, the available evidence is currently insufficient to determine the role of this variant in disease. Therefore, it has been classified as a Variant of Uncertain Significance. Variants that disrupt the consensus splice site are a relatively common cause of aberrant splicing (PMID: 17576681, 9536098). Algorithms developed to predict the effect of sequence changes on RNA splicing suggest that this variant is not likely to affect RNA splicing. This variant has not been reported in the literature in individuals affected with FLCN-related conditions. This variant is not present in population databases (gnomAD no frequency).

Literature cited by the submitters: PubMed 17576681 (cited by Labcorp Genetics (formerly Invitae), Labcorp); PubMed 9536098 (cited by Labcorp Genetics (formerly Invitae), Labcorp).

NM_144997.7(FLCN):c.1176+3G>A

Gene: FLCN (folliculin; minus strand). Cytogenetic location: 17p11.2.
Variant type: single nucleotide variant.
Coding change: c.1176+3G>A on transcript NM_144997.7 (MANE Select); 3 bases into the intron after coding-DNA position 1176, G replaced by A.
Molecular consequence: intron variant.
Genome position (GRCh38, 1-based): chr17:17,217,066, C>T on the plus strand (G>A on the coding strand, the complement: FLCN is on the minus strand). VCF-style: chr17-17217066-C-T. GRCh37 (hg19) VCF-style: chr17-17120380-C-T.
Other names: c.1176+3G>A (NM_144997.5, NM_001353231.2, NM_001353230.2); c.1230+3G>A (NM_001353229.2).
Identifiers: ClinVar variation 2134336 (VCV002134336.5), dbSNP rs2144868603, ClinGen allele CA2580092727.